The following is an entry in ClinVar:

NM_003062.4(SLIT3):c.1528C>T (p.Arg510Cys)

Gene: SLIT3 (slit guidance ligand 3; minus strand). Cytogenetic location: 5q34.
Variant type: single nucleotide variant.
Coding change: c.1528C>T on transcript NM_003062.4 (MANE Select); coding-DNA position 1528, C replaced by T.
Protein change: p.Arg510Cys; replaces arginine 510 with cysteine.
Molecular consequence: missense variant.
Genome position (GRCh38, 1-based): chr5:168,762,621, G>A on the plus strand (C>T on the coding strand, the complement: SLIT3 is on the minus strand). VCF-style: chr5-168762621-G-A. GRCh37 (hg19) VCF-style: chr5-168189626-G-A.
Other names: c.1528C>T, p.Arg510Cys (NM_001271946.2); short protein forms R510C.
Identifiers: ClinVar variation 992921 (VCV000992921.3), dbSNP rs926590189, ClinGen allele CA131994721.

ClinVar aggregate classification (germline): Likely pathogenic (0 of 4 stars; one submission).

Conditions:
Familial congenital diaphragmatic hernia.

Allele frequency attached by ClinVar (database versions not stated): gnomAD exomes 0.00001; TOPMed 0.00001.
gnomAD v4.1: 15 of 1,614,104 alleles (0.00093%); highest among the groups gnomAD compares: East Asian, 0.027%; no homozygotes.

Submission:

Intergen Genetics and Rare Diseases Diagnosis Center
Classification: Likely pathogenic for Familial congenital diaphragmatic hernia. Review status: no assertion criteria provided. Collection method: clinical testing. Allele origin: germline. Inheritance: Autosomal recessive inheritance. Affected: yes. Observed: 1 variant allele, 1 homozygote.
Comment: Variant in SLIT3 gene was found in all of the affected siblings. Parents were heterozygous carriers for the same variant. Variant was not found in gnomAD exomes and gnomAD genomes despite good coverage. In silico analysis presented 10 pathogenic predictions from DANN, EIGEN, FATHMM-MKL, M-CAP, MVP, VariantAssessor, VariantTaster, PrimateAI, REVEL and SIFT. Conservation scores were supports thah this locus is in the conserved region. Variant was not available in 2500 Exome variant local database at Intergen. As the segregation was consistent with autosomal recessive inheritance, this variant was classified as a likely pathogenic variant.